The following is an entry in ClinVar:

ClinVar aggregate classification (germline): Likely benign. Review status: criteria provided, multiple submitters, no conflicts (2 of 4 stars). 2 submissions from 2 submitters: Likely benign (2). Last evaluated 2025-04-14.

Allele frequency attached by ClinVar (database versions not stated): TOPMed 0.00001; gnomAD 0.00002; gnomAD exomes 0.00002 and 0.00004; ExAC 0.00003.

Submissions (2):

Labcorp Genetics (formerly Invitae), Labcorp
Classification: Likely benign. Last evaluated: 2025-04-14. Review status: criteria provided, single submitter. Criteria: Invitae Variant Classification Sherloc (09022015). Collection method: clinical testing. Allele origin: germline.

CeGaT Center for Human Genetics Tuebingen
Classification: Likely benign. Last evaluated: 2025-04-01. Review status: criteria provided, single submitter. Criteria: CeGaT Center For Human Genetics Tuebingen Variant Classification Criteria Version 2. Collection method: clinical testing. Allele origin: germline. Affected: yes. Observed: 1 variant allele.
Comment: SETBP1: BP4, BP7

NM_015559.3(SETBP1):c.3228G>A (p.Ser1076=)

Gene: SETBP1 (SET binding protein 1; plus strand). Cytogenetic location: 18q12.3.
Variant type: single nucleotide variant.
Coding change: c.3228G>A on transcript NM_015559.3 (MANE Select); coding-DNA position 3228, G replaced by A.
Protein change: p.Ser1076=; no amino-acid change (serine 1076 retained).
Molecular consequence: synonymous variant.
Genome position (GRCh38, 1-based): chr18:44,952,568, G>A. VCF-style: chr18-44952568-G-A. GRCh37 (hg19) VCF-style: chr18-42532533-G-A.
Other names: c.3228G>A, p.Ser1076= (NM_001379141.1, NM_001379142.1).
Identifiers: ClinVar variation 1621956 (VCV001621956.15), dbSNP rs539686339, ClinGen allele CA8945868.